The following is an entry in ClinVar:

ClinVar aggregate classification (germline): Uncertain significance (1 of 4 stars; one submission).

Submission:

Labcorp Genetics (formerly Invitae), Labcorp
Classification: Uncertain significance. Last evaluated: 2024-10-02. Review status: criteria provided, single submitter. Criteria: Invitae Variant Classification Sherloc (09022015). Collection method: clinical testing. Allele origin: germline.
Comment: This sequence change falls in intron 7 of the DNAJC21 gene. It does not directly change the encoded amino acid sequence of the DNAJC21 protein. It affects a nucleotide within the consensus splice site. This variant is not present in population databases (gnomAD no frequency). This variant has not been reported in the literature in individuals affected with DNAJC21-related conditions. Variants that disrupt the consensus splice site are a relatively common cause of aberrant splicing (PMID: 17576681, 9536098). Algorithms developed to predict the effect of sequence changes on RNA splicing suggest that this variant may disrupt the consensus splice site. In summary, the available evidence is currently insufficient to determine the role of this variant in disease. Therefore, it has been classified as a Variant of Uncertain Significance.

Literature cited by the submitters: PubMed 17576681; PubMed 9536098.

NM_001012339.3(DNAJC21):c.983+5G>T

Gene: DNAJC21 (DnaJ heat shock protein family (Hsp40) member C21; plus strand). Cytogenetic location: 5p13.2.
Variant type: single nucleotide variant.
Coding change: c.983+5G>T on transcript NM_001012339.3 (MANE Select); 5 bases into the intron after coding-DNA position 983, G replaced by T.
Molecular consequence: intron variant.
Genome position (GRCh38, 1-based): chr5:34,941,188, G>T. VCF-style: chr5-34941188-G-T. GRCh37 (hg19) VCF-style: chr5-34941293-G-T.
Other names: c.983+5G>T (NM_001348420.2, NM_194283.4).
Identifiers: ClinVar variation 3603645 (VCV003603645.2).